The following is an entry in ClinVar:

ClinVar aggregate classification (germline): not provided (0 of 4 stars; one submission).

Conditions:
Familial long QT syndrome (RWS). Also called: Congenital long QT syndrome; Romano-Ward syndrome; VENTRICULAR FIBRILLATION WITH PROLONGED QT INTERVAL. Identifiers: Orphanet 768, MedGen C1141890, MONDO:0019171.

Submission:

Cardiovascular Biomedical Research Unit, Royal Brompton & Harefield NHS Foundation Trust
No classification provided. Condition: Familial long QT syndrome. Review status: no classification provided. Collection method: literature only. Allele origin: germline.
Comment: This variant has been reported as associated with Long QT syndrome in the following publications (PMID:10508236;PMID:8799887). This is a literature report, and does not necessarily reflect the clinical interpretation of the Imperial College / Royal Brompton Cardiovascular Genetics laboratory.

Literature cited by the submitters: PubMed 10508236; PubMed 8799887; PubMed 22581653.

NM_000238.4(KCNH2):c.1891T>G (p.Ser631Ala)

Gene: KCNH2 (potassium voltage-gated channel subfamily H member 2; minus strand). Cytogenetic location: 7q36.1.
Variant type: single nucleotide variant.
Coding change: c.1891T>G on transcript NM_000238.4 (MANE Select); coding-DNA position 1891, T replaced by G.
Protein change: p.Ser631Ala; replaces serine 631 with alanine.
Molecular consequence: missense variant.
Genome position (GRCh38, 1-based): chr7:150,951,502, A>C on the plus strand (T>G on the coding strand, the complement: KCNH2 is on the minus strand). VCF-style: chr7-150951502-A-C. GRCh37 (hg19) VCF-style: chr7-150648590-A-C.
Other names: c.1891T>G (LRG_288t1); c.871T>G, p.Ser291Ala (NM_001204798.2, NM_172057.3); c.1603T>G, p.Ser535Ala (NM_001406753.1, NM_001406756.1); c.1714T>G, p.Ser572Ala (NM_001406755.1); c.1591T>G, p.Ser531Ala (NM_001406757.1); c.1891T>G, p.Ser631Ala (NM_172056.3); short protein forms S291A, S631A, S531A, S572A, S535A.
Identifiers: ClinVar variation 67320 (VCV000067320.3), dbSNP rs199472959, ClinGen allele CA005887.